The following is an entry in ClinVar:

NM_052963.3(TOP1MT):c.1804T>A (p.Ter602Lys)

Gene: TOP1MT (DNA topoisomerase I mitochondrial; minus strand). Cytogenetic location: 8q24.3.
Variant type: single nucleotide variant.
Coding change: c.1804T>A on transcript NM_052963.3 (MANE Select); coding-DNA position 1804, T replaced by A.
Protein change: p.Ter602Lys.
Molecular consequence: stop lost.
Genome position (GRCh38, 1-based): chr8:143,309,443, A>T on the plus strand (T>A on the coding strand, the complement: TOP1MT is on the minus strand). VCF-style: chr8-143309443-A-T. GRCh37 (hg19) VCF-style: chr8-144391613-A-T.
Other names: c.1510T>A, p.Ter504Lys (NM_001258446.1, NM_001258447.1).
Identifiers: ClinVar variation 2419157 (VCV002419157.6), dbSNP rs144859839, ClinGen allele CA4908088.

ClinVar aggregate classification (germline): Uncertain significance (1 of 4 stars; one submission).

Allele frequency attached by ClinVar (database versions not stated): ExAC 0.00004; gnomAD exomes 0.00004; TOPMed 0.00005; gnomAD 0.00007.

Submission:

Labcorp Genetics (formerly Invitae), Labcorp
Classification: Uncertain significance. Last evaluated: 2025-10-21. Review status: criteria provided, single submitter. Criteria: Invitae Variant Classification Sherloc (09022015). Collection method: clinical testing. Allele origin: germline.
Comment: This sequence change disrupts the translational stop signal of the TOP1MT mRNA. It is expected to extend the length of the TOP1MT protein by an uncertain number of additional amino acid residues. This variant is present in population databases (rs144859839, gnomAD 0.06%). This variant has not been reported in the literature in individuals affected with TOP1MT-related conditions. ClinVar contains an entry for this variant (Variation ID: 2419157). Algorithms developed to predict the effect of sequence changes on RNA splicing suggest that this variant may create or strengthen a splice site. In summary, the available evidence is currently insufficient to determine the role of this variant in disease. Therefore, it has been classified as a Variant of Uncertain Significance.